The following is an entry in ClinVar:

ClinVar aggregate classification (germline): Likely benign. Review status: criteria provided, multiple submitters, no conflicts (2 of 4 stars). 3 submissions from 3 submitters: Likely benign (3). Last evaluated 2026-06-15.

Conditions:
Polyps, multiple and recurrent inflammatory fibroid, gastrointestinal. Identifiers: MedGen C5193005, MONDO:0008285, OMIM 175510.
Gastrointestinal stromal tumor. Also called: Gastrointestinal stromal tumor, somatic; Gastrointestinal stroma tumor. Identifiers: Orphanet 44890, MedGen C0238198, MeSH D046152, MONDO:0011719, OMIM 606764, HP:0100723.

Allele frequency attached by ClinVar (database versions not stated): TOPMed below 0.00001; gnomAD exomes 0.00002.
gnomAD v4.1: 26 of 1,613,192 alleles (0.0016%); highest among the groups gnomAD compares: Non-Finnish European, 0.0022%; no homozygotes.

Submissions (3):

Myriad Genetics, Inc.
Classification: Likely benign for Polyps, multiple and recurrent inflammatory fibroid, gastrointestinal. Last evaluated: 2026-06-15. Review status: criteria provided, single submitter. Criteria: Myriad Autosomal Dominant, Autosomal Recessive and X-Linked Classification Criteria (2023). Collection method: clinical testing. Allele origin: unknown.
Comment: This variant is considered likely benign. This variant is intronic and is not expected to impact mRNA splicing.

Labcorp Genetics (formerly Invitae), Labcorp
Classification: Likely benign for Gastrointestinal stromal tumor. Last evaluated: 2025-05-28. Review status: criteria provided, single submitter. Criteria: Invitae Variant Classification Sherloc (09022015). Collection method: clinical testing. Allele origin: germline.

Blueprint Genetics
Classification: Likely benign. Last evaluated: 2024-04-25. Review status: criteria provided, single submitter. Criteria: ACMG Guidelines, 2015. Collection method: clinical testing. Allele origin: germline.

NM_006206.6(PDGFRA):c.1365-7T>C

Gene: PDGFRA (platelet derived growth factor receptor alpha; plus strand). Cytogenetic location: 4q12.
Variant type: single nucleotide variant.
Coding change: c.1365-7T>C on transcript NM_006206.6 (MANE Select); 7 bases into the intron before coding-DNA position 1365, T replaced by C.
Molecular consequence: intron variant.
Genome position (GRCh38, 1-based): chr4:54,273,530, T>C. VCF-style: chr4-54273530-T-C. GRCh37 (hg19) VCF-style: chr4-55139697-T-C.
Other names: c.1440-7T>C (NM_001347828.2); c.1365-7T>C (NM_001347827.2, NM_001347829.2); c.1404-7T>C (NM_001347830.2).
Identifiers: ClinVar variation 1080842 (VCV001080842.19), dbSNP rs776751170, ClinGen allele CA96858681.